The following is an entry in ClinVar:

ClinVar aggregate classification (germline): Likely pathogenic. Review status: criteria provided, multiple submitters, no conflicts (2 of 4 stars). 4 submissions from 4 submitters: Likely pathogenic (3). 1 of the submissions does not count toward it. Last evaluated 2024-10-18.

Conditions:
MOCOS-related disorder. Also called: MOCOS-related condition.
Xanthinuria type II. Also called: Xanthine dehydrogenase and aldehyde oxidase combined deficiency of; XDH and AOX dual deficiency. Identifiers: Orphanet 3467, Orphanet 93602, MedGen C1863688, MONDO:0011346, OMIM 603592.

gnomAD v4.1: 103 of 1,614,200 alleles (0.0064%); highest among the groups gnomAD compares: South Asian, 0.11%; 2 homozygotes.

Submissions (4):

Blueprint Genetics
Classification: Likely pathogenic for MOCOS-related disorders. Last evaluated: 2024-10-18. Review status: criteria provided, single submitter. Criteria: ACMG Guidelines, 2015. Collection method: clinical testing. Allele origin: germline. Affected: yes. Observed: 5 variant alleles.

Fulgent Genetics
Classification: Likely pathogenic for Xanthinuria type II. Last evaluated: 2024-04-18. Review status: criteria provided, single submitter. Criteria: ACMG Guidelines, 2015. Collection method: clinical testing. Allele origin: germline.

Neuberg Centre For Genomic Medicine, NCGM
Classification: Likely pathogenic for Xanthinuria type II. Review status: criteria provided, single submitter. Criteria: ACMG Guidelines, 2015. Collection method: clinical testing. Allele origin: germline. Inheritance: Autosomal recessive inheritance. Affected: yes.
Comment: The variant has been reported in our internal database in 3 individuals in Homozygous state. This variant is predicted to cause loss of normal protein function through protein truncation. Loss of function variants in MOCOS gene have been previously reported to be disease causing (Tate et al., 2021). In the absence of another reportable variant in this gene, molecular diagnosis is not confirmed.

Genetics laboratory, Institute of Kidney Diseases & Research Centre Dr. H.L. Trivedi Institute Of Transplantation Sciences
Classification: Likely pathogenic for Xanthinuria type II. Last evaluated: 2024-06-11. Review status: no assertion criteria provided. Collection method: clinical testing. Allele origin: germline. Inheritance: Autosomal recessive inheritance. Affected: yes. Not counted in ClinVar's aggregate classification.
Comment: A homozygous nonsense variant c.1546C>T in MOCOS gene (chr18:33795689; Depth:168x) was detected. The variant creates a premature stop codon p.Gln516Ter and may result in a null allele due to nonsense-mediated mRNA decay. This variant is not observed in 1000 genomes, topmed and gnomAD database. In silico predictions suggests the variant to be damaging by MutationTaster, SIFT, CADD and REVEL. Based on the aforementioned evidence, the variant is classified as a variant of uncertain significance based on the ACMG-AMP classification system.

NM_017947.4(MOCOS):c.1546C>T (p.Gln516Ter)

Gene: MOCOS (molybdenum cofactor sulfurase; plus strand). Cytogenetic location: 18q12.2.
Variant type: single nucleotide variant.
Coding change: c.1546C>T on transcript NM_017947.4 (MANE Select); coding-DNA position 1546, C replaced by T.
Protein change: p.Gln516Ter; replaces glutamine 516 with a stop codon.
Molecular consequence: nonsense.
Genome position (GRCh38, 1-based): chr18:36,215,726, C>T. VCF-style: chr18-36215726-C-T. GRCh37 (hg19) VCF-style: chr18-33795689-C-T.
Other names: short protein forms Q516*.
Identifiers: ClinVar variation 3391007 (VCV003391007.5).